The following is an entry in ClinVar:

NM_023036.6(DNAI2):c.725-2A>C

Gene: DNAI2 (dynein axonemal intermediate chain 2; plus strand). Cytogenetic location: 17q25.1.
Variant type: single nucleotide variant.
Coding change: c.725-2A>C on transcript NM_023036.6 (MANE Select); the canonical splice acceptor site of the intron before coding-DNA position 725, A replaced by C.
Molecular consequence: splice acceptor variant.
Genome position (GRCh38, 1-based): chr17:74,299,716, A>C. VCF-style: chr17-74299716-A-C. GRCh37 (hg19) VCF-style: chr17-72295855-A-C.
Other names: c.725-2A>C (NM_001353167.2, NM_001172810.3, NM_023036.5).
Identifiers: ClinVar variation 631785 (VCV000631785.13), dbSNP rs1448501611, ClinGen allele CA400907907.

ClinVar aggregate classification (germline): Likely pathogenic. Review status: criteria provided, multiple submitters, no conflicts (2 of 4 stars). 2 submissions from 2 submitters: Likely pathogenic (2). Last evaluated 2025-04-15.

Conditions:
Primary ciliary dyskinesia. Also called: Ciliary dyskinesia. Identifiers: Orphanet 244, MedGen C0008780, MONDO:0016575, HP:0012265.

Allele frequency attached by ClinVar (database versions not stated): TOPMed below 0.00001; gnomAD 0.00001; gnomAD exomes 0.00001.
gnomAD v4.1: 5 of 1,613,150 alleles (0.00031%); highest among the groups gnomAD compares: Non-Finnish European, 0.00042%; no homozygotes.

Submissions (2):

Natera, Inc.
Classification: Likely pathogenic for Primary ciliary dyskinesia. Last evaluated: 2025-04-15. Review status: criteria provided, single submitter. Criteria: Natera Variant Classification Schema (03/2026). Collection method: clinical testing. Allele origin: germline.
Comment: The c.725-2A>C variant in DNAI2 is a canonical splice acceptor site variant predicted to affect pre-mRNA splicing, which may result in an abnormal transcript and altered protein product. This variant is expected to result in nonsense mediated decay, truncation, or a dysfunctional protein product. This variant is rare in the general population with a frequency below the threshold expected for the associated phenotype(s). Given the available evidence, this variant is classified as Likely Pathogenic.

Labcorp Genetics (formerly Invitae), Labcorp
Classification: Likely pathogenic for Primary ciliary dyskinesia. Last evaluated: 2023-03-12. Review status: criteria provided, single submitter. Criteria: Invitae Variant Classification Sherloc (09022015). Collection method: clinical testing. Allele origin: germline.
Comment: Algorithms developed to predict the effect of sequence changes on RNA splicing suggest that this variant may disrupt the consensus splice site. ClinVar contains an entry for this variant (Variation ID: 631785). This variant has not been reported in the literature in individuals affected with DNAI2-related conditions. This variant is not present in population databases (gnomAD no frequency). This sequence change affects an acceptor splice site in intron 6 of the DNAI2 gene. It is expected to disrupt RNA splicing. Variants that disrupt the donor or acceptor splice site typically lead to a loss of protein function (PMID: 16199547), and loss-of-function variants in DNAI2 are known to be pathogenic (PMID: 18950741, 23891469). In summary, the currently available evidence indicates that the variant is pathogenic, but additional data are needed to prove that conclusively. Therefore, this variant has been classified as Likely Pathogenic.

Literature cited by the submitters: PubMed 16199547 (cited by Labcorp Genetics (formerly Invitae), Labcorp); PubMed 18950741 (cited by Labcorp Genetics (formerly Invitae), Labcorp); PubMed 23891469 (cited by Labcorp Genetics (formerly Invitae), Labcorp).